The following is an entry in ClinVar:

NM_014625.4(NPHS2):c.116_179dup (p.Ala61fs)

Gene: NPHS2 (NPHS2 stomatin family member, podocin; minus strand). Cytogenetic location: 1q25.2.
Variant type: Duplication.
Coding change: c.116_179dup on transcript NM_014625.4 (MANE Select); coding-DNA positions 116 to 179, 64 bases duplicated.
Protein change: p.Ala61fs; shifts the reading frame from alanine 61.
Molecular consequence: frameshift variant.
Genome position (GRCh38, 1-based): chr1:179,575,686-179,575,749, 64 bases duplicated. GRCh37 (hg19): chr1:179,544,826-179,544,889.
Other names: c.116_179dup, p.Ala61fs (NM_001297575.2); short protein forms A61fs.
Identifiers: ClinVar variation 4292109 (VCV004292109.1).

ClinVar aggregate classification (germline): Likely pathogenic (1 of 4 stars; one submission).

Conditions:
Nephrotic syndrome, type 2 (NPHS2). Also called: NEPHROTIC SYNDROME, STEROID-RESISTANT, AUTOSOMAL RECESSIVE. Identifiers: Orphanet 656, MedGen C1868672, MONDO:0010974, OMIM 600995.

Submission:

3billion
Classification: Likely pathogenic for Nephrotic syndrome, type 2. Last evaluated: 2025-01-13. Review status: criteria provided, single submitter. Criteria: ACMG Guidelines, 2015. Collection method: clinical testing. Allele origin: germline. Affected: yes.
Comment: The variant is not observed in the gnomAD v4.1.0 dataset. Predicted Consequence/Location: Frameshift: predicted to result in a loss or disruption of normal protein function through nonsense-mediated decay (NMD) or protein truncation. Multiple pathogenic variants are reported downstream of the variant. Therefore, this variant is classified as Likely pathogenic according to the recommendation of ACMG/AMP guideline.